The following is an entry in ClinVar:

NM_001040431.3(COA3):c.113T>C (p.Met38Thr)

Gene: COA3 (cytochrome c oxidase assembly factor 3; minus strand). Cytogenetic location: 17q21.2.
Variant type: single nucleotide variant.
Coding change: c.113T>C on transcript NM_001040431.3 (MANE Select); coding-DNA position 113, T replaced by C.
Protein change: p.Met38Thr; replaces methionine 38 with threonine.
Molecular consequence: missense variant.
Genome position (GRCh38, 1-based): chr17:42,798,569, A>G on the plus strand (T>C on the coding strand, the complement: COA3 is on the minus strand). VCF-style: chr17-42798569-A-G. GRCh37 (hg19) VCF-style: chr17-40950587-A-G.
Other names: short protein forms M38T.
Identifiers: ClinVar variation 2021452 (VCV002021452.4), dbSNP rs2544050787, ClinGen allele CA399675061.

ClinVar aggregate classification (germline): Uncertain significance (1 of 4 stars; one submission).

Submission:

Labcorp Genetics (formerly Invitae), Labcorp
Classification: Uncertain significance. Last evaluated: 2022-11-14. Review status: criteria provided, single submitter. Criteria: Invitae Variant Classification Sherloc (09022015). Collection method: clinical testing. Allele origin: germline.
Comment: This sequence change replaces methionine, which is neutral and non-polar, with threonine, which is neutral and polar, at codon 38 of the COA3 protein (p.Met38Thr). This variant is not present in population databases (gnomAD no frequency). This variant has not been reported in the literature in individuals affected with COA3-related conditions. Algorithms developed to predict the effect of missense changes on protein structure and function (SIFT, PolyPhen-2, Align-GVGD) all suggest that this variant is likely to be disruptive. In summary, the available evidence is currently insufficient to determine the role of this variant in disease. Therefore, it has been classified as a Variant of Uncertain Significance.